The following is an entry in ClinVar:

NM_152703.5(SAMD9L):c.2678A>G (p.Lys893Arg)

Gene: SAMD9L (sterile alpha motif domain containing 9 like; minus strand). Cytogenetic location: 7q21.2.
Variant type: single nucleotide variant.
Coding change: c.2678A>G on transcript NM_152703.5 (MANE Select); coding-DNA position 2678, A replaced by G.
Protein change: p.Lys893Arg; replaces lysine 893 with arginine.
Molecular consequence: missense variant.
Genome position (GRCh38, 1-based): chr7:93,133,294, T>C on the plus strand (A>G on the coding strand, the complement: SAMD9L is on the minus strand). VCF-style: chr7-93133294-T-C. GRCh37 (hg19) VCF-style: chr7-92762607-T-C.
Other names: c.2678A>G, p.Lys893Arg (NM_001303496.3, NM_001303497.3, NM_001303498.3 and 5 more transcripts); short protein forms K893R.
Identifiers: ClinVar variation 5028903 (VCV005028903.1).

ClinVar aggregate classification (germline): Uncertain significance (1 of 4 stars; one submission).

Conditions:
Inborn genetic diseases. Identifiers: MedGen C0950123, MeSH D030342.

gnomAD v4.1: 1 of 1,612,486 alleles (0.000062%); no homozygotes.

Submission:

Ambry Genetics
Classification: Uncertain significance for Inborn genetic diseases. Last evaluated: 2026-07-19. Review status: criteria provided, single submitter. Criteria: Ambry Variant Classification Scheme 2023. Collection method: clinical testing. Allele origin: germline.
Comment: The p.K893R variant (also known as c.2678A>G), located in coding exon 1 of the SAMD9L gene, results from an A to G substitution at nucleotide position 2678. The lysine at codon 893 is replaced by arginine, an amino acid with highly similar properties. This amino acid position is conserved. In addition, this alteration is predicted to be tolerated by in silico analysis. Based on the available evidence, the clinical significance of this variant remains unclear.